The following is an entry in ClinVar:

ClinVar aggregate classification (germline): Uncertain significance (1 of 4 stars; one submission).

Conditions:
Spondyloepiphyseal dysplasia with congenital joint dislocations (SEDCJD). Also called: Chondrodysplasia with Congenital Joint Dislocations, CHST3-Related. Identifiers: Orphanet 263463, MedGen C1837657, MONDO:0007738, OMIM 143095.

Submission:

PreventionGenetics, part of Exact Sciences
Classification: Uncertain significance for Spondyloepiphyseal dysplasia with congenital joint dislocations. Last evaluated: 2024-07-23. Review status: criteria provided, single submitter. Criteria: ACMG Guidelines, 2015. Collection method: clinical testing. Allele origin: germline.
Comment: This variant was reported in the compound heterozygous state with another uncertain variant in an individual with chondrodysplasia with congenital joint dislocations (Duz et al 2020. PubMed ID: 32639237). This variant is reported in 0.00096% of individuals of non-Finnish European decent in the gnomAD database. Although we suspect this variant could be pathogenic. At this time, the clinical significance of this variant is uncertain due to the absence of conclusive functional and genetic evidence.

Literature cited by the submitters: PubMed 32639237.

NM_004273.5(CHST3):c.740G>C (p.Cys247Ser)

Gene: CHST3 (carbohydrate sulfotransferase 3; plus strand). Cytogenetic location: 10q22.1.
Variant type: single nucleotide variant.
Coding change: c.740G>C on transcript NM_004273.5 (MANE Select); coding-DNA position 740, G replaced by C.
Protein change: p.Cys247Ser; replaces cysteine 247 with serine.
Molecular consequence: missense variant.
Genome position (GRCh38, 1-based): chr10:72,007,771, G>C. VCF-style: chr10-72007771-G-C. GRCh37 (hg19) VCF-style: chr10-73767529-G-C.
Other names: c.740G>C, p.Cys247Ser (NM_001441201.1, NM_001441202.1); short protein forms C247S.
Identifiers: ClinVar variation 4688046 (VCV004688046.1).